The following is an entry in ClinVar:

ClinVar aggregate classification (germline): Uncertain significance (1 of 4 stars; one submission).

gnomAD v4.1: 1 of 1,613,514 alleles (0.000062%); no homozygotes.

Submission:

Ambry Genetics
Classification: Uncertain significance. Last evaluated: 2024-12-20. Review status: criteria provided, single submitter. Criteria: Ambry Variant Classification Scheme 2023. Collection method: clinical testing. Allele origin: germline.
Comment: The p.H584Q variant (also known as c.1752C>G), located in coding exon 13 of the GEN1 gene, results from a C to G substitution at nucleotide position 1752. The histidine at codon 584 is replaced by glutamine, an amino acid with highly similar properties. This amino acid position is conserved. In addition, this alteration is predicted to be tolerated by in silico analysis. Based on the available evidence, the clinical significance of this variant remains unclear.

NM_001130009.3(GEN1):c.1752C>G (p.His584Gln)

Gene: GEN1 (GEN1 Holliday junction 5' flap endonuclease; plus strand). Cytogenetic location: 2p24.2.
Variant type: single nucleotide variant.
Coding change: c.1752C>G on transcript NM_001130009.3 (MANE Select); coding-DNA position 1752, C replaced by G.
Protein change: p.His584Gln; replaces histidine 584 with glutamine.
Molecular consequence: missense variant.
Genome position (GRCh38, 1-based): chr2:17,780,964, C>G. VCF-style: chr2-17780964-C-G. GRCh37 (hg19) VCF-style: chr2-17962231-C-G.
Other names: c.1752C>G, p.His584Gln (NM_182625.5); short protein forms H584Q.
Identifiers: ClinVar variation 3853438 (VCV003853438.1).
Genomic context (GRCh38, chr2:17,780,964, plus strand): 5'-TTCAGAATCTAGTCAACCCAATACCTCATCTCATAATATATCCGTGATTGCTGATCTACA[C>G]TTGAGCACTATTGACTGGGAAGGTACTTCTTTTAGTAATTCTCCAGCTATTCAAAGGAAT-3'
Protein context (NP_001123481.3, residues 574-594): SHNISVIADL[His584Gln]LSTIDWEGTS